The following is an entry in ClinVar:

NM_032237.5(POMK):c.110G>C (p.Cys37Ser)

Gene: POMK (protein O-mannose kinase; plus strand). Cytogenetic location: 8p11.21.
Variant type: single nucleotide variant.
Coding change: c.110G>C on transcript NM_032237.5 (MANE Select); coding-DNA position 110, G replaced by C.
Protein change: p.Cys37Ser; replaces cysteine 37 with serine.
Molecular consequence: missense variant.
Genome position (GRCh38, 1-based): chr8:43,103,658, G>C. VCF-style: chr8-43103658-G-C. GRCh37 (hg19) VCF-style: chr8-42958801-G-C.
Other names: c.110G>C, p.Cys37Ser (NM_001277971.2); short protein forms C37S.
Identifiers: ClinVar variation 1384332 (VCV001384332.6), dbSNP rs149845778, ClinGen allele CA371116771.

ClinVar aggregate classification (germline): Uncertain significance (1 of 4 stars; one submission).

Conditions:
Muscular dystrophy-dystroglycanopathy (congenital with brain and eye anomalies), type a, 12 (MDDGA12). Also called: WALKER-WARBURG SYNDROME OR MUSCLE-EYE-BRAIN DISEASE, POMK-RELATED. Identifiers: Orphanet 899, MedGen C3808964, MONDO:0014101, OMIM 615249.
Limb-girdle muscular dystrophy due to POMK deficiency. Also called: MUSCULAR DYSTROPHY-DYSTROGLYCANOPATHY, LIMB-GIRDLE, POMK-RELATED; Muscular dystrophy-dystroglycanopathy (limb-girdle), type c, 12. Identifiers: Orphanet 445110, MedGen C4015184, MONDO:0014489, OMIM 616094.

Submission:

Labcorp Genetics (formerly Invitae), Labcorp
Classification: Uncertain significance for Muscular dystrophy-dystroglycanopathy (congenital with brain and eye anomalies), type a, 12; Limb-girdle muscular dystrophy due to POMK deficiency. Last evaluated: 2023-07-17. Review status: criteria provided, single submitter. Criteria: Invitae Variant Classification Sherloc (09022015). Collection method: clinical testing. Allele origin: germline.
Comment: In summary, the available evidence is currently insufficient to determine the role of this variant in disease. Therefore, it has been classified as a Variant of Uncertain Significance. Advanced modeling of protein sequence and biophysical properties (such as structural, functional, and spatial information, amino acid conservation, physicochemical variation, residue mobility, and thermodynamic stability) performed at Invitae indicates that this missense variant is not expected to disrupt POMK protein function. ClinVar contains an entry for this variant (Variation ID: 1384332). This variant has not been reported in the literature in individuals affected with POMK-related conditions. This variant is present in population databases (no rsID available, gnomAD 0.003%). This sequence change replaces cysteine, which is neutral and slightly polar, with serine, which is neutral and polar, at codon 37 of the POMK protein (p.Cys37Ser).